The following is an entry in ClinVar:

NM_144499.3(GNAT1):c.1003G>C (p.Val335Leu)

Gene: GNAT1 (G protein subunit alpha transducin 1; plus strand). Cytogenetic location: 3p21.31.
Variant type: single nucleotide variant.
Coding change: c.1003G>C on transcript NM_144499.3 (MANE Select); coding-DNA position 1003, G replaced by C.
Protein change: p.Val335Leu; replaces valine 335 with leucine.
Molecular consequence: missense variant.
Genome position (GRCh38, 1-based): chr3:50,194,905, G>C. VCF-style: chr3-50194905-G-C. GRCh37 (hg19) VCF-style: chr3-50232338-G-C.
Other names: c.1003G>C, p.Val335Leu (NM_000172.4); short protein forms V335L.
Identifiers: ClinVar variation 3007910 (VCV003007910.21), dbSNP rs140221218, ClinGen allele CA352921080.
Genomic context (GRCh38, chr3:50,194,905, plus strand): 5'-ATCTATTCCCACATGACGTGCGCCACCGACACGCAGAACGTCAAATTTGTCTTCGACGCT[G>C]TCACCGACATCATCATCAAGGAGAACCTCAAAGACTGTGGCCTCTTCTGAGGTAGGTCGC-3'
Protein context (NP_653082.1, residues 325-345): TQNVKFVFDA[Val335Leu]TDIIIKENLK

ClinVar aggregate classification (germline): Uncertain significance. Review status: criteria provided, multiple submitters, no conflicts (2 of 4 stars). 3 submissions from 3 submitters: Uncertain significance (3). Last evaluated 2025-08-29.

Allele frequency attached by ClinVar (database versions not stated): gnomAD 0.00001.
gnomAD v4.1: 3 of 1,613,780 alleles (0.00019%); highest among the groups gnomAD compares: East Asian, 0.0045%; no homozygotes.

Submissions (3):

Labcorp Genetics (formerly Invitae), Labcorp
Classification: Uncertain significance. Last evaluated: 2025-08-29. Review status: criteria provided, single submitter. Criteria: Invitae Variant Classification Sherloc (09022015). Collection method: clinical testing. Allele origin: germline.
Comment: This sequence change replaces valine, which is neutral and non-polar, with leucine, which is neutral and non-polar, at codon 335 of the GNAT1 protein (p.Val335Leu). This variant is not present in population databases (gnomAD no frequency). This variant has not been reported in the literature in individuals affected with GNAT1-related conditions. ClinVar contains an entry for this variant (Variation ID: 3007910). Invitae Evidence Modeling of protein sequence and biophysical properties (such as structural, functional, and spatial information, amino acid conservation, physicochemical variation, residue mobility, and thermodynamic stability) indicates that this missense variant is not expected to disrupt GNAT1 protein function with a negative predictive value of 80%. In summary, the available evidence is currently insufficient to determine the role of this variant in disease. Therefore, it has been classified as a Variant of Uncertain Significance.

CeGaT Center for Human Genetics Tuebingen
Classification: Uncertain significance. Last evaluated: 2024-07-01. Review status: criteria provided, single submitter. Criteria: CeGaT Center For Human Genetics Tuebingen Variant Classification Criteria Version 2. Collection method: clinical testing. Allele origin: germline. Affected: yes. Observed: 1 variant allele.
Comment: GNAT1: PM2

Blueprint Genetics
Classification: Uncertain significance. Last evaluated: 2022-08-03. Review status: criteria provided, single submitter. Criteria: ACMG Guidelines, 2015. Collection method: clinical testing. Allele origin: germline.